The following is an entry in ClinVar:

ClinVar aggregate classification (germline): Uncertain significance. Review status: criteria provided, multiple submitters, no conflicts (2 of 4 stars). 2 submissions from 2 submitters: Uncertain significance (2). Last evaluated 2025-06-12.

Conditions:
Inborn genetic diseases. Identifiers: MedGen C0950123, MeSH D030342.

Submissions (2):

Labcorp Genetics (formerly Invitae), Labcorp
Classification: Uncertain significance. Last evaluated: 2025-06-12. Review status: criteria provided, single submitter. Criteria: Invitae Variant Classification Sherloc (09022015). Collection method: clinical testing. Allele origin: germline.
Comment: This sequence change replaces alanine, which is neutral and non-polar, with glycine, which is neutral and non-polar, at codon 1584 of the SRCAP protein (p.Ala1584Gly). This variant is present in population databases (rs780964519, gnomAD 0.007%). This variant has not been reported in the literature in individuals affected with SRCAP-related conditions. ClinVar contains an entry for this variant (Variation ID: 3801257). Invitae Evidence Modeling of protein sequence and biophysical properties (such as structural, functional, and spatial information, amino acid conservation, physicochemical variation, residue mobility, and thermodynamic stability) indicates that this missense variant is not expected to disrupt SRCAP protein function with a negative predictive value of 80%. In summary, the available evidence is currently insufficient to determine the role of this variant in disease. Therefore, it has been classified as a Variant of Uncertain Significance.

Ambry Genetics
Classification: Uncertain significance for Inborn genetic diseases. Last evaluated: 2025-01-08. Review status: criteria provided, single submitter. Criteria: Ambry Variant Classification Scheme 2023. Collection method: clinical testing. Allele origin: germline.

NM_006662.3(SRCAP):c.4751C>G (p.Ala1584Gly)

Gene: SRCAP (Snf2 related CREBBP activator protein; plus strand). Cytogenetic location: 16p11.2.
Variant type: single nucleotide variant.
Coding change: c.4751C>G on transcript NM_006662.3 (MANE Select); coding-DNA position 4751, C replaced by G.
Protein change: p.Ala1584Gly; replaces alanine 1584 with glycine.
Molecular consequence: missense variant.
Genome position (GRCh38, 1-based): chr16:30,724,175, C>G. VCF-style: chr16-30724175-C-G. GRCh37 (hg19) VCF-style: chr16-30735496-C-G.
Other names: short protein forms A1584G.
Identifiers: ClinVar variation 3801257 (VCV003801257.2).